The following is an entry in ClinVar:

NM_003998.4(NFKB1):c.2648C>T (p.Thr883Ile)

Gene: NFKB1 (nuclear factor kappa B subunit 1; plus strand). Cytogenetic location: 4q24.
Variant type: single nucleotide variant.
Coding change: c.2648C>T on transcript NM_003998.4 (MANE Select); coding-DNA position 2648, C replaced by T.
Protein change: p.Thr883Ile; replaces threonine 883 with isoleucine.
Molecular consequence: missense variant.
Genome position (GRCh38, 1-based): chr4:102,613,480, C>T. VCF-style: chr4-102613480-C-T. GRCh37 (hg19) VCF-style: chr4-103534637-C-T.
Other names: c.2645C>T, p.Thr882Ile (NM_001165412.2, NM_001319226.2, NM_001382627.1); c.2648C>T, p.Thr883Ile (NM_001382625.1, NM_001382626.1); c.2606C>T, p.Thr869Ile (NM_001382628.1); short protein forms T869I, T882I, T883I.
Identifiers: ClinVar variation 3613600 (VCV003613600.2).

ClinVar aggregate classification (germline): Uncertain significance (1 of 4 stars; one submission).

gnomAD v4.1: 7 of 1,613,998 alleles (0.00043%); highest among the groups gnomAD compares: Non-Finnish European, 0.00051%; no homozygotes.

Submission:

Labcorp Genetics (formerly Invitae), Labcorp
Classification: Uncertain significance. Last evaluated: 2025-11-06. Review status: criteria provided, single submitter. Criteria: Invitae Variant Classification Sherloc (09022015). Collection method: clinical testing. Allele origin: germline.
Comment: This sequence change replaces threonine, which is neutral and polar, with isoleucine, which is neutral and non-polar, at codon 883 of the NFKB1 protein (p.Thr883Ile). This variant is not present in population databases (gnomAD no frequency). This variant has not been reported in the literature in individuals affected with NFKB1-related conditions. ClinVar contains an entry for this variant (Variation ID: 3613600). Invitae Evidence Modeling of protein sequence and biophysical properties (such as structural, functional, and spatial information, amino acid conservation, physicochemical variation, residue mobility, and thermodynamic stability) indicates that this missense variant is not expected to disrupt NFKB1 protein function with a negative predictive value of 80%. In summary, the available evidence is currently insufficient to determine the role of this variant in disease. Therefore, it has been classified as a Variant of Uncertain Significance.